The following is an entry in ClinVar:

ClinVar aggregate classification (germline): Uncertain significance. Review status: criteria provided, multiple submitters, no conflicts (2 of 4 stars). 2 submissions from 2 submitters: Uncertain significance (2). Last evaluated 2022-11-15.

Conditions:
Inborn genetic diseases. Identifiers: MedGen C0950123, MeSH D030342.

Allele frequency attached by ClinVar (database versions not stated): gnomAD exomes below 0.00001 and 0.00001.
gnomAD v4.1: 14 of 1,613,930 alleles (0.00087%); highest among the groups gnomAD compares: Non-Finnish European, 0.0012%; no homozygotes.

Submissions (2):

Labcorp Genetics (formerly Invitae), Labcorp
Classification: Uncertain significance. Last evaluated: 2022-11-15. Review status: criteria provided, single submitter. Criteria: Invitae Variant Classification Sherloc (09022015). Collection method: clinical testing. Allele origin: germline.
Comment: In summary, the available evidence is currently insufficient to determine the role of this variant in disease. Therefore, it has been classified as a Variant of Uncertain Significance. Algorithms developed to predict the effect of missense changes on protein structure and function (SIFT, PolyPhen-2, Align-GVGD) all suggest that this variant is likely to be tolerated. ClinVar contains an entry for this variant (Variation ID: 1511056). This variant has not been reported in the literature in individuals affected with OBSL1-related conditions. This variant is present in population databases (rs754310562, gnomAD 0.0009%). This sequence change replaces isoleucine, which is neutral and non-polar, with valine, which is neutral and non-polar, at codon 972 of the OBSL1 protein (p.Ile972Val).

Ambry Genetics
Classification: Uncertain significance for Inborn genetic diseases. Last evaluated: 2022-08-16. Review status: criteria provided, single submitter. Criteria: Ambry Variant Classification Scheme 2023. Collection method: clinical testing. Allele origin: germline.

NM_015311.3(OBSL1):c.2914A>G (p.Ile972Val)

Gene: OBSL1 (obscurin like cytoskeletal adaptor 1; minus strand). Cytogenetic location: 2q35.
Variant type: single nucleotide variant.
Coding change: c.2914A>G on transcript NM_015311.3 (MANE Select); coding-DNA position 2914, A replaced by G.
Protein change: p.Ile972Val; replaces isoleucine 972 with valine.
Molecular consequence: missense variant.
Genome position (GRCh38, 1-based): chr2:219,562,441, T>C on the plus strand (A>G on the coding strand, the complement: OBSL1 is on the minus strand). VCF-style: chr2-219562441-T-C. GRCh37 (hg19) VCF-style: chr2-220427163-T-C.
Other names: c.2914A>G, p.Ile972Val (NM_001173408.2, NM_001173431.2); c.2914A>G (NM_015311.2); short protein forms I972V.
Identifiers: ClinVar variation 1511056 (VCV001511056.9), dbSNP rs754310562, ClinGen allele CA66031619.
Genomic context (GRCh38, chr2:219,562,441, plus strand): 5'-GGAGCTGGGCTGGGCCCACACCTGTGACGGTGACAGTGAAGGAGGCCGACTCATCGTCAA[T>C]TTCACACAAGTACTCGCCGGAGTCCTCGAGCTGGACAGCGGGCAGCACCAGGCGGCGGAC-3'
Protein context (NP_056126.1, residues 962-982): LEDSGEYLCE[Ile972Val]DDESASFTVT